The following is an entry in ClinVar:

ClinVar aggregate classification (germline): Uncertain significance (1 of 4 stars; one submission).

Allele frequency attached by ClinVar (database versions not stated): gnomAD 0.00001; TOPMed 0.00001; gnomAD exomes 0.00002 and 0.00003; ExAC 0.00003.
gnomAD v4.1: 50 of 1,613,654 alleles (0.0031%); highest among the groups gnomAD compares: African/African-American, 0.004%; no homozygotes.

Submission:

Labcorp Genetics (formerly Invitae), Labcorp
Classification: Uncertain significance. Last evaluated: 2024-04-20. Review status: criteria provided, single submitter. Criteria: Invitae Variant Classification Sherloc (09022015). Collection method: clinical testing. Allele origin: germline.
Comment: This sequence change replaces asparagine, which is neutral and polar, with serine, which is neutral and polar, at codon 105 of the DEAF1 protein (p.Asn105Ser). This variant is present in population databases (rs758219303, gnomAD 0.006%). This variant has not been reported in the literature in individuals affected with DEAF1-related conditions. ClinVar contains an entry for this variant (Variation ID: 1369164). Advanced modeling of protein sequence and biophysical properties (such as structural, functional, and spatial information, amino acid conservation, physicochemical variation, residue mobility, and thermodynamic stability) performed at Invitae indicates that this missense variant is not expected to disrupt DEAF1 protein function with a negative predictive value of 95%. In summary, the available evidence is currently insufficient to determine the role of this variant in disease. Therefore, it has been classified as a Variant of Uncertain Significance.

NM_021008.4(DEAF1):c.314A>G (p.Asn105Ser)

Gene: DEAF1 (DEAF1 transcription factor; minus strand). Cytogenetic location: 11p15.5.
Variant type: single nucleotide variant.
Coding change: c.314A>G on transcript NM_021008.4 (MANE Select); coding-DNA position 314, A replaced by G.
Protein change: p.Asn105Ser; replaces asparagine 105 with serine.
Molecular consequence: missense variant. On other transcripts: 5 prime UTR variant (1).
Genome position (GRCh38, 1-based): chr11:691,574, T>C on the plus strand (A>G on the coding strand, the complement: DEAF1 is on the minus strand). VCF-style: chr11-691574-T-C. GRCh37 (hg19) VCF-style: chr11-691574-T-C.
Other names: c.314A>G, p.Asn105Ser (NM_001293634.2); c.-413A>G (NM_001367390.1); short protein forms N105S.
Identifiers: ClinVar variation 1369164 (VCV001369164.6), dbSNP rs758219303, ClinGen allele CA5786596.